The following is an entry in ClinVar:

ClinVar aggregate classification (germline): Uncertain significance. Review status: criteria provided, multiple submitters, no conflicts (2 of 4 stars). 4 submissions from 4 submitters: Uncertain significance (4). Last evaluated 2025-08-11.

Conditions:
Niemann-Pick disease, type C1. Also called: NIEMANN-PICK DISEASE, VARIANT TYPE C1; NEUROVISCERAL STORAGE DISEASE WITH VERTICAL SUPRANUCLEAR OPHTHALMOPLEGIA; NIEMANN-PICK DISEASE WITH CHOLESTEROL ESTERIFICATION BLOCK; NIEMANN-PICK DISEASE WITHOUT SPHINGOMYELINASE DEFICIENCY; NIEMANN-PICK DISEASE, CHRONIC NEURONOPATHIC FORM. Identifiers: Orphanet 646, MedGen C3179455, MONDO:0009757, OMIM 257220.

Allele frequency attached by ClinVar (database versions not stated): ExAC 0.00001; gnomAD exomes 0.00001; gnomAD 0.00003 and 0.00004; TOPMed 0.00006.
gnomAD v4.1: 18 of 1,612,592 alleles (0.0011%); highest among the groups gnomAD compares: Admixed American, 0.0033%; no homozygotes.

Submissions (4):

Labcorp Genetics (formerly Invitae), Labcorp
Classification: Uncertain significance for Niemann-Pick disease, type C1. Last evaluated: 2025-08-11. Review status: criteria provided, single submitter. Criteria: Invitae Variant Classification Sherloc (09022015). Collection method: clinical testing. Allele origin: germline.
Comment: This sequence change replaces tyrosine, which is neutral and polar, with cysteine, which is neutral and slightly polar, at codon 571 of the NPC1 protein (p.Tyr571Cys). This variant is present in population databases (rs750033860, gnomAD 0.004%). This missense change has been observed in individual(s) with Niemann-Pick disease type C (PMID: 23773996). ClinVar contains an entry for this variant (Variation ID: 996941). Invitae Evidence Modeling of protein sequence and biophysical properties (such as structural, functional, and spatial information, amino acid conservation, physicochemical variation, residue mobility, and thermodynamic stability) indicates that this missense variant is expected to disrupt NPC1 protein function with a positive predictive value of 80%. Experimental studies are conflicting or provide insufficient evidence to determine the effect of this variant on NPC1 function (PMID: 14970192). In summary, the available evidence is currently insufficient to determine the role of this variant in disease. Therefore, it has been classified as a Variant of Uncertain Significance.

GeneDx
Classification: Uncertain significance. Last evaluated: 2025-06-29. Review status: criteria provided, single submitter. Criteria: GeneDx Variant Classification Process June 2021. Collection method: clinical testing. Allele origin: germline. Affected: yes.
Comment: Although published functional studies found this variant was associated normal NPC1 protein expression and cholesterol trafficking, increased temperature sensitivity was also observed (PMID: 14970192); Not observed at significant frequency in large population cohorts (gnomAD); In silico analysis supports that this missense variant has a deleterious effect on protein structure/function; This variant is associated with the following publications: (PMID: 23773996, 14970192)

Fulgent Genetics
Classification: Uncertain significance for Niemann-Pick disease, type C1. Last evaluated: 2022-01-19. Review status: criteria provided, single submitter. Criteria: ACMG Guidelines, 2015. Collection method: clinical testing. Allele origin: unknown.

New York Genome Center
Classification: Uncertain significance for Niemann-Pick disease, type C1. Last evaluated: 2020-05-14. Review status: criteria provided, single submitter. Criteria: NYGC Assertion Criteria 2020. Collection method: clinical testing. Allele origin: germline. Inheritance: Autosomal recessive inheritance. Observed: 1 heterozygote. Study: CSER-NYCKidSeq.

Literature cited by the submitters: PubMed 23773996 (cited by Labcorp Genetics (formerly Invitae), Labcorp); PubMed 14970192 (cited by Labcorp Genetics (formerly Invitae), Labcorp).

NM_000271.5(NPC1):c.1712A>G (p.Tyr571Cys)

Gene: NPC1 (NPC intracellular cholesterol transporter 1; minus strand). Cytogenetic location: 18q11.2.
Variant type: single nucleotide variant.
Coding change: c.1712A>G on transcript NM_000271.5 (MANE Select); coding-DNA position 1712, A replaced by G.
Protein change: p.Tyr571Cys; replaces tyrosine 571 with cysteine.
Molecular consequence: missense variant.
Genome position (GRCh38, 1-based): chr18:23,548,051, T>C on the plus strand (A>G on the coding strand, the complement: NPC1 is on the minus strand). VCF-style: chr18-23548051-T-C. GRCh37 (hg19) VCF-style: chr18-21128015-T-C.
Other names: c.1712A>G (NM_000271.4); short protein forms Y571C.
Identifiers: ClinVar variation 996941 (VCV000996941.6), dbSNP rs750033860, ClinGen allele CA8913389.